The following is an entry in ClinVar:

NM_001379200.1(TBX1):c.1118T>A (p.Leu373Gln)

Gene: TBX1 (T-box transcription factor 1; plus strand). Cytogenetic location: 22q11.21.
Variant type: single nucleotide variant.
Coding change: c.1118T>A on transcript NM_001379200.1 (MANE Select); coding-DNA position 1118, T replaced by A.
Protein change: p.Leu373Gln; replaces leucine 373 with glutamine.
Molecular consequence: missense variant. On other transcripts: intron variant (2).
Genome position (GRCh38, 1-based): chr22:19,766,470, T>A. VCF-style: chr22-19766470-T-A. GRCh37 (hg19) VCF-style: chr22-19753993-T-A.
Other names: c.1091T>A, p.Leu364Gln (NM_080647.1); c.1009+468T>A (NM_005992.1, NM_080646.2); short protein forms L364Q, L373Q.
Identifiers: ClinVar variation 1789514 (VCV001789514.7), dbSNP rs1459372840, ClinGen allele CA410684183.
Genomic context (GRCh38, chr22:19,766,470, plus strand): 5'-AATTCCAGCGCGACGCGGGCGGGCCAGCAGTGCTCGGGGACCCGGCGCATCCTCCGCAGC[T>A]GCTGGCCCGGGTGCTAAGCCCCTCGCTGCCCGGGGCCGGCGGCGCCGGCGGCTTAGTCCC-3'
Protein context (NP_001366129.1, residues 363-383): VLGDPAHPPQ[Leu373Gln]LARVLSPSLP

ClinVar aggregate classification (germline): Uncertain significance. Review status: criteria provided, multiple submitters, no conflicts (2 of 4 stars). 2 submissions from 2 submitters: Uncertain significance (2). Last evaluated 2022-07-21.

Conditions:
Cardiovascular phenotype. Identifiers: MedGen CN230736.
DiGeorge syndrome. Also called: THIRD AND FOURTH PHARYNGEAL POUCH SYNDROME; Catch22. Identifiers: Orphanet 567, MedGen C0012236, MONDO:0008564, OMIM 188400.

Submissions (2):

Labcorp Genetics (formerly Invitae), Labcorp
Classification: Uncertain significance for DiGeorge syndrome. Last evaluated: 2022-07-21. Review status: criteria provided, single submitter. Criteria: Invitae Variant Classification Sherloc (09022015). Collection method: clinical testing. Allele origin: germline.
Comment: In summary, the available evidence is currently insufficient to determine the role of this variant in disease. Therefore, it has been classified as a Variant of Uncertain Significance. Algorithms developed to predict the effect of missense changes on protein structure and function are either unavailable or do not agree on the potential impact of this missense change (SIFT: "Deleterious"; PolyPhen-2: "Benign"; Align-GVGD: "Class C0"). This variant has not been reported in the literature in individuals affected with TBX1-related conditions. This variant is not present in population databases (gnomAD no frequency). This sequence change replaces leucine, which is neutral and non-polar, with glutamine, which is neutral and polar, at codon 364 of the TBX1 protein (p.Leu364Gln).

Ambry Genetics
Classification: Uncertain significance for Cardiovascular phenotype. Last evaluated: 2022-04-01. Review status: criteria provided, single submitter. Criteria: Ambry Variant Classification Scheme 2023. Collection method: clinical testing. Allele origin: germline.
Comment: The p.L364Q variant (also known as c.1091T>A), located in coding exon 8 of the TBX1 gene, results from a T to A substitution at nucleotide position 1091. The leucine at codon 364 is replaced by glutamine, an amino acid with dissimilar properties. This amino acid position is conserved. In addition, the in silico prediction for this alteration is inconclusive. Since supporting evidence is limited at this time, the clinical significance of this alteration remains unclear.